The following is an entry in ClinVar:

ClinVar aggregate classification (germline): Uncertain significance (1 of 4 stars; one submission).

Allele frequency attached by ClinVar (database versions not stated): gnomAD exomes below 0.00001.
gnomAD v4.1: 3 of 1,533,874 alleles (0.0002%); highest among the groups gnomAD compares: Admixed American, 0.002%; no homozygotes.

Submission:

Ambry Genetics
Classification: Uncertain significance. Last evaluated: 2023-01-22. Review status: criteria provided, single submitter. Criteria: Ambry Variant Classification Scheme 2023. Collection method: clinical testing. Allele origin: germline.
Comment: The p.A30V variant (also known as c.89C>T), located in coding exon 1 of the PRKDC gene, results from a C to T substitution at nucleotide position 89. The alanine at codon 30 is replaced by valine, an amino acid with similar properties. This amino acid position is conserved. In addition, this alteration is predicted to be tolerated by in silico analysis. Since supporting evidence is limited at this time, the clinical significance of this alteration remains unclear.

NM_006904.7(PRKDC):c.89C>T (p.Ala30Val)

Genes: PRKDC (protein kinase, DNA-activated, catalytic subunit; minus strand), LOC129929030 (ATAC-STARR-seq lymphoblastoid silent region 19177; plus strand). Cytogenetic location: 8q11.21.
Variant type: single nucleotide variant.
Coding change: c.89C>T on transcript NM_006904.7 (MANE Select); coding-DNA position 89, C replaced by T.
Protein change: p.Ala30Val; replaces alanine 30 with valine.
Molecular consequence: missense variant.
Genome position (GRCh38, 1-based): chr8:47,960,038, G>A on the plus strand (C>T on the coding strand, the complement: PRKDC is on the minus strand). VCF-style: chr8-47960038-G-A. GRCh37 (hg19) VCF-style: chr8-48872598-G-A.
Other names: c.89C>T, p.Ala30Val (NM_001081640.2); short protein forms A30V.
Identifiers: ClinVar variation 2497360 (VCV002497360.2), dbSNP rs1292048096, ClinGen allele CA371142839.